The following is an entry in ClinVar:

NM_000089.4(COL1A2):c.326G>A (p.Gly109Asp)

Gene: COL1A2 (collagen type I alpha 2 chain; plus strand). Cytogenetic location: 7q21.3.
Variant type: single nucleotide variant.
Coding change: c.326G>A on transcript NM_000089.4 (MANE Select); coding-DNA position 326, G replaced by A.
Protein change: p.Gly109Asp; replaces glycine 109 with aspartic acid.
Molecular consequence: missense variant.
Genome position (GRCh38, 1-based): chr7:94,404,694, G>A. VCF-style: chr7-94404694-G-A. GRCh37 (hg19) VCF-style: chr7-94034006-G-A.
Other names: c.326G>A (LRG_2t1); short protein forms G109D.
Identifiers: ClinVar variation 425658 (VCV000425658.10), dbSNP rs1114167416, ClinGen allele CA368219522.

ClinVar aggregate classification (germline): Pathogenic/Likely pathogenic. Review status: criteria provided, multiple submitters, no conflicts (2 of 4 stars). 6 submissions from 6 submitters: Pathogenic (2); Likely pathogenic (2). 2 of the submissions do not count toward it. Last evaluated 2026-01-26.

Conditions:
COL1A2-related disorder. Also called: COL1A2-Related Disorders; COL1A2-related condition.
Combined osteogenesis imperfecta and Ehlers-Danlos syndrome 2. Also called: OIEDS SYNDROME 2. Identifiers: MedGen C5436847, MONDO:0030855, OMIM 619120.
Cardiovascular phenotype. Identifiers: MedGen CN230736.
Osteogenesis imperfecta type I (OI1). Also called: Lobstein's Disease; Lobstein disease; OI, TYPE I; OSTEOGENESIS IMPERFECTA TARDA; OSTEOGENESIS IMPERFECTA WITH BLUE SCLERAE; Classic Non-deforming Osteogenesis Imperfecta with Blue Sclerae. Identifiers: Orphanet 216796, Orphanet 666, MedGen C0023931, MONDO:0008146, OMIM 166200. Disease mechanism: loss of function.

Submissions (6):

GeneDx
Classification: Pathogenic. Last evaluated: 2026-01-26. Review status: criteria provided, single submitter. Criteria: GeneDx Variant Classification Process June 2021. Collection method: clinical testing. Allele origin: germline. Affected: yes.
Comment: Identified in a patient with osteogenesis imperfecta and in a patient with an osteogenesis imperfecta-Ehlers-Danlos spectrum disorder (PMID: 23692737, 27510842); Occurs in the triple helical domain and replaces a glycine in a canonical Gly-X-Y repeat; missense substitution of a canonical glycine residue is expected to disrupt normal protein folding and function, and this is an established mechanism of disease (PMID: 34007986); Not observed at significant frequency in large population cohorts (gnomAD); In silico analysis supports that this missense variant has a deleterious effect on protein structure/function; This variant is associated with the following publications: (PMID: 25944380, 23692737, 41095672, 27510842, 34007986)

Clinical Biomedical Laboratory, Shriners Hospital For Children - Canada
Classification: Pathogenic for Combined osteogenesis imperfecta and Ehlers-Danlos syndrome 2. Last evaluated: 2025-07-16. Review status: criteria provided, single submitter. Criteria: ACMG Guidelines, 2015. Collection method: clinical testing. Allele origin: germline. Affected: yes.
Comment: This variant is predicted to substitute a glycine residue by an aspartic acid residue in the alpha 2 chain of collagen type I. Glycine substitutions in the triple helical domain of collagen type I cause disruption in the formation of the triple helix in the collagen molecule and are a typical cause of osteogenesis imperfecta. Glycine substitutions that are located close to the N-propeptide cleavage site of collagen type I in addition are associated with an Ehlers-Danlos phenotype (PMID 23692737) This variant has not been observed in the Genome Aggregation Database v.2.1.1, indicating it is very rare. This variant has been reported in the literature as a cause of Osteogenesis Imperfecta/Ehlers-Danlos Syndrome overlap syndrome (PMID 23692737). Prediction tools: (REVEL: 0.96) suggest that the change is detrimental to protein function.

Blueprint Genetics
Classification: Likely pathogenic for COL1A2-related disorders. Last evaluated: 2020-01-29. Review status: criteria provided, single submitter. Criteria: ACMG Guidelines, 2015. Collection method: clinical testing. Allele origin: germline. Affected: yes. Observed: 1 variant allele.

Ambry Genetics
Classification: Likely pathogenic for Cardiovascular phenotype. Last evaluated: 2019-03-25. Review status: criteria provided, single submitter. Criteria: Ambry Variant Classification Scheme 2023. Collection method: clinical testing. Allele origin: germline.
Comment: The p.G109D variant (also known as c.326G>A), located in coding exon 8 of the COL1A2 gene, results from a G to A substitution at nucleotide position 326. The glycine at codon 109 is replaced by aspartic acid, an amino acid with similar properties. The majority of pathogenic mutations identified to date in COL1A2 have involved the substitution of another amino acid for glycine within the triple-helical domain (Dagleish R. Nucleic Acids Res. 1997 Jan 1;25(1):181-7; Marini JC et al. Hum Mutat. 2007 Mar;28(3):209-21; Bardai G et al. Osteoporos Int 2016 Dec;27(12):3607-3613). This particular glycine substitution has been reported in several patients with osteogenesis imperfecta and Ehlers-Danlos overlap syndrome (Malfait F et al. Orphanet J Rare Dis, 2013 May;8:78; Malmgren B et al. Oral Dis, 2017 Jan;23:42-49). Functional studies in patient fibroblasts suggest that this alteration results in delayed processing of procollagen I into the mature protein (Malfait F et al. Orphanet J Rare Dis, 2013 May;8:78). Internal structural analysis indicates that this alteration disrupts the characteristic G-X-Y motif in the COL1A2 protein and inserts a bulky side chain into a sterically-constrained region (Bella J et al. Science. 1994;266:75-81; Hohenester E et al. Proc. Natl. Acad. Sci. U.S.A. 2008;105:18273-7; Ambry internal data). This amino acid position is highly conserved in available vertebrate species. In addition, this alteration is predicted to be deleterious by in silico analysis. Based on the majority of available evidence to date, this variant is likely to be pathogenic.

OMIM
Classification: Pathogenic for COMBINED OSTEOGENESIS IMPERFECTA AND EHLERS-DANLOS SYNDROME 2. Last evaluated: 2021-07-29. Review status: no assertion criteria provided. Collection method: literature only. Allele origin: germline. Not counted in ClinVar's aggregate classification.

Department of Medical Sciences, Uppsala University
Classification: Pathogenic for OI type I. Review status: no assertion criteria provided. Collection method: clinical testing. Allele origin: maternal. Affected: yes. Observed: 1 variant allele. Not counted in ClinVar's aggregate classification.

Literature cited by the submitters: PubMed 23692737 (cited by 3 submitters); PubMed 25944380 (cited by Ambry Genetics and Department of Medical Sciences, Uppsala University); PubMed 27510842 (cited by Ambry Genetics).